The following is an entry in ClinVar:

NM_000433.4(NCF2):c.605C>T (p.Ala202Val)

Gene: NCF2 (neutrophil cytosolic factor 2; minus strand). Cytogenetic location: 1q25.3.
Variant type: single nucleotide variant.
Coding change: c.605C>T on transcript NM_000433.4 (MANE Select); coding-DNA position 605, C replaced by T.
Protein change: p.Ala202Val; replaces alanine 202 with valine.
Molecular consequence: missense variant. On other transcripts: intron variant (1).
Genome position (GRCh38, 1-based): chr1:183,573,189, G>A on the plus strand (C>T on the coding strand, the complement: NCF2 is on the minus strand). VCF-style: chr1-183573189-G-A. GRCh37 (hg19) VCF-style: chr1-183542324-G-A.
Other names: c.605C>T, p.Ala202Val (NM_001127651.3); c.470C>T, p.Ala157Val (NM_001190794.2); c.367-2350C>T (NM_001190789.2); short protein forms A202V, A157V.
Identifiers: ClinVar variation 68497 (VCV000068497.13), dbSNP rs137854508, ClinGen allele CA145227.

ClinVar aggregate classification (germline): Pathogenic/Likely pathogenic. Review status: criteria provided, multiple submitters, no conflicts (2 of 4 stars). 4 submissions from 4 submitters: Pathogenic (1); Likely pathogenic (2). 1 of the submissions does not count toward it. Last evaluated 2025-09-06.

Conditions:
Chronic granulomatous disease. Identifiers: Orphanet 379, MedGen C0018203, MONDO:0018305.
Granulomatous disease, chronic, autosomal recessive, cytochrome b-positive, type 2. Also called: Chronic Granulomatous Disease, Autosomal Recessive, Cytochrome b-Positive, Type II; CGD, AUTOSOMAL RECESSIVE CYTOCHROME b-POSITIVE, TYPE II; GRANULOMATOUS DISEASE, CHRONIC, DUE TO NCF2 DEFICIENCY; GRANULOMATOUS DISEASE, CHRONIC, AUTOSOMAL RECESSIVE, 2; Chronic granulomatous disease due to deficiency of NCF-2. Identifiers: Orphanet 379, MedGen C1856245, MONDO:0009310, OMIM 233710.

Allele frequency attached by ClinVar (database versions not stated): gnomAD 0.00001; gnomAD exomes below 0.00001; TOPMed below 0.00001.

Submissions (5):

Labcorp Genetics (formerly Invitae), Labcorp
Classification: Likely pathogenic for Granulomatous disease, chronic, autosomal recessive, cytochrome b-positive, type 2. Last evaluated: 2025-09-06. Review status: criteria provided, single submitter. Criteria: Invitae Variant Classification Sherloc (09022015). Collection method: clinical testing. Allele origin: germline.
Comment: This sequence change replaces alanine, which is neutral and non-polar, with valine, which is neutral and non-polar, at codon 202 of the NCF2 protein (p.Ala202Val). This variant is present in population databases (rs137854508, gnomAD 0.003%). This missense change has been observed in individual(s) with chronic granulomatous disease (PMID: 19624736, 20167518, 25937994, 33629196). It has also been observed to segregate with disease in related individuals. ClinVar contains an entry for this variant (Variation ID: 68497). Invitae Evidence Modeling of protein sequence and biophysical properties (such as structural, functional, and spatial information, amino acid conservation, physicochemical variation, residue mobility, and thermodynamic stability) indicates that this missense variant is expected to disrupt NCF2 protein function with a positive predictive value of 80%. Experimental studies have shown that this missense change affects NCF2 function (PMID: 25937994). Algorithms developed to predict the effect of sequence changes on RNA splicing suggest that this variant may create or strengthen a splice site. In summary, the currently available evidence indicates that the variant is pathogenic, but additional data are needed to prove that conclusively. Therefore, this variant has been classified as Likely Pathogenic.

Fulgent Genetics
Classification: Likely pathogenic for Granulomatous disease, chronic, autosomal recessive, cytochrome b-positive, type 2. Last evaluated: 2024-04-09. Review status: criteria provided, single submitter. Criteria: ACMG Guidelines, 2015. Collection method: clinical testing. Allele origin: germline.

Women's Health and Genetics/Laboratory Corporation of America, LabCorp
Classification: Pathogenic for Chronic granulomatous disease. Last evaluated: 2024-04-04. Review status: criteria provided, single submitter. Criteria: LabCorp Variant Classification Summary - May 2015. Collection method: clinical testing. Allele origin: germline.
Comment: Variant summary: NCF2 c.605C>T (p.Ala202Val) results in a non-conservative amino acid change in the encoded protein sequence. Three of five in-silico tools predict a damaging effect of the variant on protein function. The variant allele was found at a frequency of 4e-06 in 251476 control chromosomes. c.605C>T has been reported in the literature as a biallelic homozygous genotype in multiple individuals affected with Chronic Granulomatous Disease (example, Koker_2009, Roos_2014). These data indicate that the variant is very likely to be associated with disease. At least one publication reports experimental evidence evaluating an impact on protein function (Roos_2014). The most pronounced variant effect results in 3% of normal oxidase activity compared to cells transfected with the wild-type. The following publications have been ascertained in the context of this evaluation (PMID: 19624736, 25937994). ClinVar contains an entry for this variant (Variation ID: 68497). Based on the evidence outlined above, the variant was classified as pathogenic.

Dr. Peter K. Rogan Lab, Western University
No classification provided (evidence only). Condition: Colorectal cancer. Review status: no classification provided. Collection method: in vitro. Allele origin: not applicable. Functional consequence: retained intron. Not counted in ClinVar's aggregate classification.

UniProtKB/Swiss-Prot
No classification provided. Condition: Chronic granulomatous disease, autosomal recessive cytochrome b-positive, type 2. Review status: no classification provided. Collection method: not provided. Allele origin: germline. Not counted in ClinVar's aggregate classification.

Literature cited by the submitters: PubMed 19624736 (cited by Labcorp Genetics (formerly Invitae), Labcorp and Women's Health and Genetics/Laboratory Corporation of America, LabCorp); PubMed 20167518 (cited by Labcorp Genetics (formerly Invitae), Labcorp); PubMed 25937994 (cited by Labcorp Genetics (formerly Invitae), Labcorp and Women's Health and Genetics/Laboratory Corporation of America, LabCorp); PubMed 33629196 (cited by Labcorp Genetics (formerly Invitae), Labcorp).